The following is an entry in ClinVar:

NM_000535.7(PMS2):c.271A>G (p.Lys91Glu)

Gene: PMS2 (PMS1 homolog 2, mismatch repair system component; minus strand). Cytogenetic location: 7p22.1.
Variant type: single nucleotide variant.
Coding change: c.271A>G on transcript NM_000535.7 (MANE Select); coding-DNA position 271, A replaced by G.
Protein change: p.Lys91Glu; replaces lysine 91 with glutamic acid.
Molecular consequence: missense variant. On other transcripts: 5 prime UTR variant (9), non-coding transcript variant (1), intron variant (2).
Genome position (GRCh38, 1-based): chr7:6,003,772, T>C on the plus strand (A>G on the coding strand, the complement: PMS2 is on the minus strand). VCF-style: chr7-6003772-T-C. GRCh37 (hg19) VCF-style: chr7-6043403-T-C.
Other names: c.-135A>G (NM_001322003.2, NM_001322004.2, NM_001322005.2 and 3 more transcripts); c.271A>G, p.Lys91Glu (NM_001322006.2, NM_001322014.2); c.-614A>G (NM_001322011.2, NM_001322012.2); c.-214A>G (NM_001322015.2); c.35+200A>G (NM_001322008.2, NM_001322007.2); c.271A>G (NM_000535.5); short protein forms K91E.
Identifiers: ClinVar variation 1016031 (VCV001016031.9), dbSNP rs1785382109, ClinGen allele CA366744692.

ClinVar aggregate classification (germline): Uncertain significance. Review status: criteria provided, multiple submitters, no conflicts (2 of 4 stars). 2 submissions from 2 submitters: Uncertain significance (2). Last evaluated 2025-02-03.

Conditions:
Hereditary cancer-predisposing syndrome. Also called: Hereditary Cancer Syndrome; Tumor predisposition; Neoplastic Syndromes, Hereditary; Hereditary neoplastic syndrome. Identifiers: Orphanet 140162, MedGen C0027672, MeSH D009386, MONDO:0015356.
Hereditary nonpolyposis colorectal neoplasms. Identifiers: MedGen C0009405, MeSH D003123.

Allele frequency attached by ClinVar (database versions not stated): gnomAD exomes below 0.00001.
gnomAD v4.1: 1 of 1,605,380 alleles (0.000062%); no homozygotes.

Submissions (2):

Ambry Genetics
Classification: Uncertain significance for Hereditary cancer-predisposing syndrome. Last evaluated: 2025-02-03. Review status: criteria provided, single submitter. Criteria: Ambry Variant Classification Scheme 2023. Collection method: clinical testing. Allele origin: germline.
Comment: The p.K91E variant (also known as c.271A>G), located in coding exon 4 of the PMS2 gene, results from an A to G substitution at nucleotide position 271. The lysine at codon 91 is replaced by glutamic acid, an amino acid with similar properties. This amino acid position is conserved. In addition, this alteration is predicted to be deleterious by in silico analysis. Based on the available evidence, the clinical significance of this variant remains unclear.

Labcorp Genetics (formerly Invitae), Labcorp
Classification: Uncertain significance for Hereditary nonpolyposis colorectal neoplasms. Last evaluated: 2024-03-18. Review status: criteria provided, single submitter. Criteria: Invitae Variant Classification Sherloc (09022015). Collection method: clinical testing. Allele origin: germline.
Comment: This sequence change replaces lysine, which is basic and polar, with glutamic acid, which is acidic and polar, at codon 91 of the PMS2 protein (p.Lys91Glu). This variant is not present in population databases (gnomAD no frequency). This variant has not been reported in the literature in individuals affected with PMS2-related conditions. ClinVar contains an entry for this variant (Variation ID: 1016031). Advanced modeling of protein sequence and biophysical properties (such as structural, functional, and spatial information, amino acid conservation, physicochemical variation, residue mobility, and thermodynamic stability) performed at Invitae indicates that this missense variant is expected to disrupt PMS2 protein function with a positive predictive value of 80%. In summary, the available evidence is currently insufficient to determine the role of this variant in disease. Therefore, it has been classified as a Variant of Uncertain Significance.